The following is an entry in ClinVar:

ClinVar aggregate classification (germline): Uncertain significance (1 of 4 stars; one submission).

Conditions:
Pulmonary fibrosis and/or bone marrow failure, Telomere-related, 4. Also called: PULMONARY FIBROSIS AND/OR BONE MARROW FAILURE SYNDROME, TELOMERE-RELATED, 4. Identifiers: Orphanet 2032, MedGen C4225347, MONDO:0014612, OMIM 616371.
Dyskeratosis congenita, autosomal recessive 6 (DKCB6). Identifiers: MedGen C4225356, MONDO:0014600, OMIM 616353.

Submission:

Labcorp Genetics (formerly Invitae), Labcorp
Classification: Uncertain significance for Dyskeratosis congenita, autosomal recessive 6; Pulmonary fibrosis and/or bone marrow failure, Telomere-related, 4. Last evaluated: 2025-04-26. Review status: criteria provided, single submitter. Criteria: Invitae Variant Classification Sherloc (09022015). Collection method: clinical testing. Allele origin: germline.
Comment: This sequence change replaces serine, which is neutral and polar, with proline, which is neutral and non-polar, at codon 39 of the PARN protein (p.Ser39Pro). This variant is present in population databases (no rsID available, gnomAD 0.01%). This variant has not been reported in the literature in individuals affected with PARN-related conditions. Invitae Evidence Modeling of protein sequence and biophysical properties (such as structural, functional, and spatial information, amino acid conservation, physicochemical variation, residue mobility, and thermodynamic stability) indicates that this missense variant is not expected to disrupt PARN protein function with a negative predictive value of 80%. In summary, the available evidence is currently insufficient to determine the role of this variant in disease. Therefore, it has been classified as a Variant of Uncertain Significance.

NM_002582.4(PARN):c.115T>C (p.Ser39Pro)

Gene: PARN (poly(A)-specific ribonuclease; minus strand). Cytogenetic location: 16p13.12.
Variant type: single nucleotide variant.
Coding change: c.115T>C on transcript NM_002582.4 (MANE Select); coding-DNA position 115, T replaced by C.
Protein change: p.Ser39Pro; replaces serine 39 with proline.
Molecular consequence: missense variant. On other transcripts: 5 prime UTR variant (1).
Genome position (GRCh38, 1-based): chr16:14,628,234, A>G on the plus strand (T>C on the coding strand, the complement: PARN is on the minus strand). VCF-style: chr16-14628234-A-G. GRCh37 (hg19) VCF-style: chr16-14722091-A-G.
Other names: c.-69T>C (NM_001134477.3); c.115T>C, p.Ser39Pro (NM_001242992.2); short protein forms S39P.
Identifiers: ClinVar variation 4788970 (VCV004788970.1).
Genomic context (GRCh38, chr16:14,628,234, plus strand): 5'-TTTTAAGCTTCTGATACCTCTCTTCTGGAGTGTCAAAACCATTTGTTAATGCAGAGACTG[A>G]AGGTCCATCACTGATTCCTAGATTTTAAGAAATAAAAATTTTTAGCTTACTAATAAATAC-3'
Protein context (NP_002573.1, residues 29-49): GEFSGISDGP[Ser39Pro]VSALTNGFDT